The following is an entry in ClinVar:

NM_032380.5(GFM2):c.1104T>A (p.Cys368Ter)

Gene: GFM2 (GTP dependent ribosome recycling factor mitochondrial 2; minus strand). Cytogenetic location: 5q13.3.
Variant type: single nucleotide variant.
Coding change: c.1104T>A on transcript NM_032380.5 (MANE Select); coding-DNA position 1104, T replaced by A.
Protein change: p.Cys368Ter; replaces cysteine 368 with a stop codon.
Molecular consequence: nonsense. On other transcripts: non-coding transcript variant (1), intron variant (1).
Genome position (GRCh38, 1-based): chr5:74,738,618, A>T on the plus strand (T>A on the coding strand, the complement: GFM2 is on the minus strand). VCF-style: chr5-74738618-A-T. GRCh37 (hg19) VCF-style: chr5-74034443-A-T.
Other names: c.1200T>A, p.Cys400Ter (NM_001281302.2); c.1104T>A, p.Cys368Ter (NM_170681.3); c.1080-201T>A (NM_170691.3); short protein forms C368*, C400*.
Identifiers: ClinVar variation 2630553 (VCV002630553.1), dbSNP rs1370043372, ClinGen allele CA360080366.

ClinVar aggregate classification (germline): Likely pathogenic (1 of 4 stars; one submission).

Conditions:
GFM2-related disorder. Also called: GFM2-related condition.

gnomAD v4.1: 7 of 1,613,276 alleles (0.00043%); highest among the groups gnomAD compares: Non-Finnish European, 0.00051%; no homozygotes.

Submission:

PreventionGenetics, part of Exact Sciences
Classification: Likely pathogenic for GFM2-related condition. Last evaluated: 2023-02-26. Review status: criteria provided, single submitter. Criteria: ACMG Guidelines, 2015. Collection method: clinical testing. Allele origin: germline.
Comment: The GFM2 c.1104T>A variant is predicted to result in premature protein termination (p.Cys368*). To our knowledge, this variant has not been reported in the literature. This variant is reported in 0.00088% of alleles in individuals of European (Non-Finnish) descent in gnomAD. Nonsense variants in GFM2 are expected to be pathogenic. This variant is interpreted as likely pathogenic.